The following is an entry in ClinVar:

ClinVar aggregate classification (germline): Benign/Likely benign. Review status: criteria provided, multiple submitters, no conflicts (2 of 4 stars). 8 submissions from 8 submitters: Benign (4); Likely benign (2). 2 of the submissions do not count toward it. Last evaluated 2026-09-01.

Conditions:
TET2-related disorder. Also called: TET2-related condition.

Allele frequency attached by ClinVar (database versions not stated): 1000 Genomes Project 0.00180; TOPMed 0.00342; ExAC 0.00366; gnomAD 0.00383 and 0.00397; gnomAD exomes 0.00419; ESP Exome Variant Server 0.00569.

Submissions (8):

CeGaT Center for Human Genetics Tuebingen
Classification: Likely benign. Last evaluated: 2026-09-01. Review status: criteria provided, single submitter. Criteria: CeGaT Center For Human Genetics Tuebingen Variant Classification Criteria Version 2. Collection method: clinical testing. Allele origin: germline. Affected: yes. Observed: 18 variant alleles.
Comment: TET2: BP4, BS2

Labcorp Genetics (formerly Invitae), Labcorp
Classification: Benign. Last evaluated: 2026-01-29. Review status: criteria provided, single submitter. Criteria: Invitae Variant Classification Sherloc (09022015). Collection method: clinical testing. Allele origin: germline.

ARUP Laboratories, Molecular Genetics and Genomics, ARUP Laboratories
Classification: Likely benign. Last evaluated: 2024-06-12. Review status: criteria provided, single submitter. Criteria: ARUP Molecular Germline Variant Investigation Process 2024. Collection method: clinical testing. Allele origin: germline.

Mayo Clinic Laboratories, Mayo Clinic
Classification: Benign. Last evaluated: 2024-02-14. Review status: criteria provided, single submitter. Criteria: ACMG Guidelines, 2015. Collection method: clinical testing. Allele origin: germline. Observed: 4 variant alleles.
Comment: BS1, BS2, BP4

Genetic Services Laboratory, University of Chicago
Classification: Benign. Last evaluated: 2021-06-24. Review status: criteria provided, single submitter. Criteria: ACMG Guidelines, 2015. Collection method: clinical testing. Allele origin: germline. Affected: no.

Breakthrough Genomics
Classification: Benign. Review status: criteria provided, single submitter. Criteria: ACMG Guidelines, 2015. Collection method: not provided. Allele origin: germline. Inheritance: Autosomal recessive inheritance. Affected: yes.

PreventionGenetics, part of Exact Sciences
Classification: Benign for TET2-related condition. Last evaluated: 2020-11-24. Review status: no assertion criteria provided. Collection method: clinical testing. Allele origin: germline. Not counted in ClinVar's aggregate classification.
Comment: This variant is classified as benign based on ACMG/AMP sequence variant interpretation guidelines (Richards et al. 2015 PMID: 25741868, with internal and published modifications).

ITMI
No classification provided. Condition: AllHighlyPenetrant. Last evaluated: 2013-09-19. Review status: no classification provided. Collection method: reference population. Allele origin: germline. Not counted in ClinVar's aggregate classification.
Comment: Please see associated publication for description of ethnicities

Literature cited by the submitters: PubMed 24728327 (cited by ITMI).

NM_001127208.3(TET2):c.5103G>A (p.Met1701Ile)

Genes: TET2 (tet methylcytosine dioxygenase 2; plus strand), TET2-AS1 (TET2 antisense RNA 1; minus strand). Cytogenetic location: 4q24.
Variant type: single nucleotide variant.
Coding change: c.5103G>A on transcript NM_001127208.3 (MANE Select); coding-DNA position 5103, G replaced by A.
Protein change: p.Met1701Ile; replaces methionine 1701 with isoleucine.
Molecular consequence: missense variant.
Genome position (GRCh38, 1-based): chr4:105,275,613, G>A. VCF-style: chr4-105275613-G-A. GRCh37 (hg19) VCF-style: chr4-106196770-G-A.
Other names: short protein forms M1701I.
Identifiers: ClinVar variation 135296 (VCV000135296.39), dbSNP rs62623390, ClinGen allele CA162255.